The following is an entry in ClinVar:

NM_000245.4(MET):c.644C>A (p.Ser215Ter)

Gene: MET (MET proto-oncogene, receptor tyrosine kinase; plus strand). Cytogenetic location: 7q31.2.
Variant type: single nucleotide variant.
Coding change: c.644C>A on transcript NM_000245.4 (MANE Select); coding-DNA position 644, C replaced by A.
Protein change: p.Ser215Ter; replaces serine 215 with a stop codon.
Molecular consequence: nonsense. On other transcripts: intron variant (1).
Genome position (GRCh38, 1-based): chr7:116,699,728, C>A. VCF-style: chr7-116699728-C-A. GRCh37 (hg19) VCF-style: chr7-116339782-C-A.
Other names: c.-91+27151C>A (NM_001324402.2); c.644C>A, p.Ser215Ter (NM_001127500.3, NM_001324401.3); short protein forms S215*.
Identifiers: ClinVar variation 4053969 (VCV004053969.1).

ClinVar aggregate classification (germline): Uncertain significance (1 of 4 stars; one submission).

Conditions:
Hereditary cancer-predisposing syndrome. Also called: Neoplastic Syndromes, Hereditary; Tumor predisposition; Hereditary neoplastic syndrome; Hereditary Cancer Syndrome. Identifiers: Orphanet 140162, MedGen C0027672, MeSH D009386, MONDO:0015356.

Submission:

Ambry Genetics
Classification: Uncertain significance for Hereditary cancer-predisposing syndrome. Last evaluated: 2025-05-19. Review status: criteria provided, single submitter. Criteria: Ambry Variant Classification Scheme 2023. Collection method: clinical testing. Allele origin: germline.
Comment: The p.S215* variant (also known as c.644C>A), located in coding exon 1 of the MET gene, results from a C to A substitution at nucleotide position 644. This changes the amino acid from a serine to a stop codon within coding exon 1. This alteration is expected to result in loss of function by premature protein truncation or nonsense-mediated mRNA decay. However, loss of function of MET has not been established as a mechanism of disease. Based on the available evidence, the clinical significance of this alteration remains unclear.